The following is an entry in ClinVar:

NM_006949.4(STXBP2):c.1027-10C>T

Gene: STXBP2 (syntaxin binding protein 2; plus strand). Cytogenetic location: 19p13.2.
Variant type: single nucleotide variant.
Coding change: c.1027-10C>T on transcript NM_006949.4 (MANE Select); 10 bases into the intron before coding-DNA position 1027, C replaced by T.
Molecular consequence: intron variant.
Genome position (GRCh38, 1-based): chr19:7,643,155, C>T. VCF-style: chr19-7643155-C-T. GRCh37 (hg19) VCF-style: chr19-7708041-C-T.
Other names: c.1060-10C>T (NM_001272034.2); c.1018-10C>T (NM_001127396.3).
Identifiers: ClinVar variation 330553 (VCV000330553.21), dbSNP rs201961771, ClinGen allele CA9143945.

ClinVar aggregate classification (germline): Conflicting classifications of pathogenicity. Review status: criteria provided, conflicting classifications (1 of 4 stars). 5 submissions from 5 submitters: Uncertain significance (2); Likely benign (3). Last evaluated 2026-02-02.

Conditions:
Familial hemophagocytic lymphohistiocytosis 5. Also called: STXBP2-Related Familial Hemophagocytic Lymphohistiocytosis (STXBP2-fHLH). Identifiers: Orphanet 540, MedGen C2751293, MONDO:0013135, OMIM 613101.
STXBP2-related disorder. Also called: STXBP2-related condition.

Allele frequency attached by ClinVar (database versions not stated): ESP Exome Variant Server 0.00008; gnomAD exomes 0.00012 and 0.00024; TOPMed 0.00014; gnomAD 0.00015 and 0.00016; ExAC 0.00023.
gnomAD v4.1: 221 of 1,614,058 alleles (0.014%); highest among the groups gnomAD compares: Admixed American, 0.0033%; no homozygotes.

Submissions (5):

Labcorp Genetics (formerly Invitae), Labcorp
Classification: Likely benign for Familial hemophagocytic lymphohistiocytosis 5. Last evaluated: 2026-02-02. Review status: criteria provided, single submitter. Criteria: Invitae Variant Classification Sherloc (09022015). Collection method: clinical testing. Allele origin: germline.

PreventionGenetics, part of Exact Sciences
Classification: Likely benign for STXBP2-related condition. Last evaluated: 2025-12-16. Review status: criteria provided, single submitter. Criteria: ACMG Guidelines, 2015. Collection method: clinical testing. Allele origin: germline.
Comment: This variant is classified as likely benign based on ACMG/AMP sequence variant interpretation guidelines (Richards et al. 2015 PMID: 25741868, with internal and published modifications).

Blueprint Genetics
Classification: Likely benign. Last evaluated: 2024-10-24. Review status: criteria provided, single submitter. Criteria: ACMG Guidelines, 2015. Collection method: clinical testing. Allele origin: germline.

Genetic Services Laboratory, University of Chicago
Classification: Uncertain significance. Last evaluated: 2021-08-09. Review status: criteria provided, single submitter. Criteria: ACMG Guidelines, 2015. Collection method: clinical testing. Allele origin: germline. Affected: no.

Illumina Laboratory Services, Illumina
Classification: Uncertain significance for Familial hemophagocytic lymphohistiocytosis 5. Last evaluated: 2018-01-12. Review status: criteria provided, single submitter. Criteria: ICSL Variant Classification Criteria 13 December 2019. Collection method: clinical testing. Allele origin: germline.